The following is an entry in ClinVar:

ClinVar aggregate classification (germline): Conflicting classifications of pathogenicity. Review status: criteria provided, conflicting classifications (1 of 4 stars). 9 submissions from 9 submitters: Uncertain significance (8); Likely benign (1). Last evaluated 2026-05-20.

Conditions:
Global developmental delay - lung cysts - overgrowth - Wilms tumor syndrome. Also called: GLOBAL DEVELOPMENTAL DELAY, LUNG CYSTS, OVERGROWTH, AND WILMS TUMOR; GLOW Syndrome. Identifiers: Orphanet 404476, MedGen C4748924, MONDO:0018445, OMIM 618272.
DICER1-related disorder. Also called: DICER1-related condition.
DICER1-related tumor predisposition. Also called: DICER1 syndrome; DICER1-related pleuropulmonary blastoma cancer predisposition syndrome. Identifiers: Orphanet 284343, MedGen C3839822, MONDO:0100216.
Hereditary cancer-predisposing syndrome. Also called: Tumor predisposition; Hereditary Cancer Syndrome; Neoplastic Syndromes, Hereditary; Hereditary neoplastic syndrome. Identifiers: Orphanet 140162, MedGen C0027672, MeSH D009386, MONDO:0015356.

Allele frequency attached by ClinVar (database versions not stated): ExAC 0.00002; gnomAD 0.00003; gnomAD exomes 0.00003; TOPMed 0.00003.
gnomAD v4.1: 54 of 1,613,836 alleles (0.0033%); highest among the groups gnomAD compares: East Asian, 0.0045%; no homozygotes.

Submissions (9):

PreventionGenetics, part of Exact Sciences
Classification: Uncertain significance for DICER1-related condition. Last evaluated: 2026-05-20. Review status: criteria provided, single submitter. Criteria: ACMG Guidelines, 2015. Collection method: clinical testing. Allele origin: germline.
Comment: The DICER1 c.4102C>T variant is predicted to result in the amino acid substitution p.Arg1368Cys. This variant was reported in an individual with Wilms tumor (Walz et al. 2015. PubMed ID: 25670082). This variant is reported in 0.0062% of alleles in individuals of European (Non-Finnish) descent in gnomAD. This variant has conflicting interpretations in ClinVar ranging from uncertain significance to likely benign. as At this time, the clinical significance of this variant is uncertain due to the absence of conclusive functional and genetic evidence.

Labcorp Genetics (formerly Invitae), Labcorp
Classification: Likely benign for DICER1-related tumor predisposition. Last evaluated: 2026-01-25. Review status: criteria provided, single submitter. Criteria: Invitae Variant Classification Sherloc (09022015). Collection method: clinical testing. Allele origin: germline.

Center for Genomic Medicine, Rigshospitalet, Copenhagen University Hospital
Classification: Uncertain significance. Last evaluated: 2025-03-04. Review status: criteria provided, single submitter. Criteria: ACMG Guidelines, 2015. Collection method: clinical testing. Allele origin: germline.

Ambry Genetics
Classification: Uncertain significance for Hereditary cancer-predisposing syndrome. Last evaluated: 2024-11-21. Review status: criteria provided, single submitter. Criteria: Ambry Variant Classification Scheme 2023. Collection method: clinical testing. Allele origin: germline.
Comment: The p.R1368C variant (also known as c.4102C>T), located in coding exon 21 of the DICER1 gene, results from a C to T substitution at nucleotide position 4102. The arginine at codon 1368 is replaced by cysteine, an amino acid with highly dissimilar properties. This variant was reported in 1/77 favorable histology Wilms tumors; the tumor sample did not show loss of heterozygozity (Walz AL et al. Cancer Cell. 2015 Feb;27:286-97). This amino acid position is highly conserved in available vertebrate species. In addition, this alteration is predicted to be deleterious by in silico analysis. Since supporting evidence is limited at this time, the clinical significance of this alteration remains unclear.

GeneDx
Classification: Uncertain significance. Last evaluated: 2023-10-11. Review status: criteria provided, single submitter. Criteria: GeneDx Variant Classification Process June 2021. Collection method: clinical testing. Allele origin: germline. Affected: yes.
Comment: In silico analysis supports that this missense variant does not alter protein structure/function; Identified in an individual with Wilms tumor (Walz et al., 2015); This variant is associated with the following publications: (PMID: 28825729, 37333613, 25670082, 28748527)

Baylor Genetics
Classification: Uncertain significance for Global developmental delay - lung cysts - overgrowth - Wilms tumor syndrome. Last evaluated: 2023-10-10. Review status: criteria provided, single submitter. Criteria: ACMG Guidelines, 2015. Collection method: clinical testing. Allele origin: unknown.

Quest Diagnostics Nichols Institute San Juan Capistrano
Classification: Uncertain significance. Last evaluated: 2023-08-16. Review status: criteria provided, single submitter. Criteria: Quest Diagnostics criteria. Collection method: clinical testing. Allele origin: unknown.
Comment: In the published literature, this variant has been reported as a germline and somatic variant in Wilms Tumor (PMID: 25670082 (2015), 28825729 (2017)). The frequency of this variant in the general population, 0.000062 (8/129108 chromosomes (Genome Aggregation Database)), is uninformative in the assessment of its pathogenicity. Analysis of this variant using bioinformatics tools for the prediction of the effect of amino acid changes on protein structure and function yielded predictions that this variant is damaging. Based on the available information, we are unable to determine the clinical significance of this variant.

CeGaT Center for Human Genetics Tuebingen
Classification: Uncertain significance. Last evaluated: 2023-05-01. Review status: criteria provided, single submitter. Criteria: CeGaT Center For Human Genetics Tuebingen Variant Classification Criteria Version 2. Collection method: clinical testing. Allele origin: germline. Affected: yes. Observed: 1 variant allele.
Comment: DICER1: PP2, BS1:Supporting

Foulkes Cancer Genetics LDI, Lady Davis Institute for Medical Research
Classification: Uncertain significance. Last evaluated: 2019-07-01. Review status: criteria provided, single submitter. Criteria: ACMG Guidelines, 2015. Collection method: curation. Allele origin: germline. Affected: yes. Observed: 1 variant allele.
Comment: ACMG criteria met: BP1

Literature cited by the submitters: PubMed 25670082 (cited by 3 submitters); PubMed 28748527 (cited by Center for Genomic Medicine, Rigshospitalet, Copenhagen University Hospital and Ambry Genetics); PubMed 28825729 (cited by Quest Diagnostics Nichols Institute San Juan Capistrano and Foulkes Cancer Genetics LDI, Lady Davis Institute for Medical Research).

NM_177438.3(DICER1):c.4102C>T (p.Arg1368Cys)

Gene: DICER1 (dicer 1, ribonuclease III; minus strand). Cytogenetic location: 14q32.13.
Variant type: single nucleotide variant.
Coding change: c.4102C>T on transcript NM_177438.3 (MANE Select); coding-DNA position 4102, C replaced by T.
Protein change: p.Arg1368Cys; replaces arginine 1368 with cysteine.
Molecular consequence: missense variant.
Genome position (GRCh38, 1-based): chr14:95,099,884, G>A on the plus strand (C>T on the coding strand, the complement: DICER1 is on the minus strand). VCF-style: chr14-95099884-G-A. GRCh37 (hg19) VCF-style: chr14-95566221-G-A.
Other names: c.4102C>T, p.Arg1368Cys (NM_001195573.1, NM_001271282.3, NM_001291628.2 and 1 more transcripts); short protein forms R1368C.
Identifiers: ClinVar variation 242099 (VCV000242099.53), dbSNP rs752740048, ClinGen allele CA7330941.